The following is an entry in ClinVar:

ClinVar aggregate classification (germline): Likely benign. Review status: criteria provided, multiple submitters, no conflicts (2 of 4 stars). 2 submissions from 2 submitters: Likely benign (2). Last evaluated 2025-09-15.

Allele frequency attached by ClinVar (database versions not stated): ESP Exome Variant Server 0.00023; gnomAD exomes 0.00023; gnomAD 0.00012 and 0.00011; TOPMed 0.00017; ExAC 0.00025.
gnomAD v4.1: 247 of 1,614,120 alleles (0.015%); highest among the groups gnomAD compares: Middle Eastern, 0.066%; no homozygotes.

Submissions (2):

Mayo Clinic Laboratories, Mayo Clinic
Classification: Likely benign. Last evaluated: 2025-09-15. Review status: criteria provided, single submitter. Criteria: ACMG Guidelines, 2015. Collection method: clinical testing. Allele origin: germline. Observed: 1 variant allele.
Comment: BS1, BP4

Labcorp Genetics (formerly Invitae), Labcorp
Classification: Likely benign. Last evaluated: 2019-12-31. Review status: criteria provided, single submitter. Criteria: Invitae Variant Classification Sherloc (09022015). Collection method: clinical testing. Allele origin: germline.

Literature cited by the submitters: PubMed 35812163 (cited by Mayo Clinic Laboratories, Mayo Clinic).

NM_133443.4(GPT2):c.1264G>T (p.Asp422Tyr)

Gene: GPT2 (glutamic--pyruvic transaminase 2; plus strand). Cytogenetic location: 16q11.2.
Variant type: single nucleotide variant.
Coding change: c.1264G>T on transcript NM_133443.4 (MANE Select); coding-DNA position 1264, G replaced by T.
Protein change: p.Asp422Tyr; replaces aspartic acid 422 with tyrosine.
Molecular consequence: missense variant.
Genome position (GRCh38, 1-based): chr16:46,924,440, G>T. VCF-style: chr16-46924440-G-T. GRCh37 (hg19) VCF-style: chr16-46958352-G-T.
Other names: p.Asp422Tyr; c.964G>T, p.Asp322Tyr (NM_001142466.3); short protein forms D322Y, D422Y.
Identifiers: ClinVar variation 726268 (VCV000726268.5), dbSNP rs140757319, ClinGen allele CA8038876.